The following is an entry in ClinVar:

NM_020207.7(ERCC6L2):c.2156del (p.Gly719fs)

Gene: ERCC6L2 (ERCC excision repair 6 like 2; plus strand). Cytogenetic location: 9q22.32.
Variant type: Deletion.
Coding change: c.2156del on transcript NM_020207.7 (MANE Select); coding-DNA position 2156, one base deleted (G; older notation c.2156delG).
Protein change: p.Gly719fs; shifts the reading frame from glycine 719.
Molecular consequence: frameshift variant. On other transcripts: non-coding transcript variant (1).
Genome position (GRCh38, 1-based): chr9:95,970,631, G deleted; the last of 3 consecutive G bases (chr9:95,970,629-95,970,631); deleting any one gives the same sequence. VCF-style (leftmost placement, unchanged base first): chr9-95970628-AG-A. GRCh37 (hg19) VCF-style: chr9-98732910-AG-A.
Other names: c.2156delG (NM_020207.7); c.2156del, p.Gly719fs (NM_001375291.1, NM_001375292.1, NM_001375293.1 and 1 more transcripts); short protein forms G719fs.
Identifiers: ClinVar variation 619039 (VCV000619039.9), dbSNP rs902795242, ClinGen allele CA196596752.
Genomic context (GRCh38, chr9:95,970,628, plus strand): 5'-CATTATAGAGAGAAGGCCAAGTAGAAGCAGGGATCATGACAGCCACAACATGGTTGAAAG[AG>A]GGACCTCCAGCACACAAACTGGAAATGGTATGTAATATTTGAACCTGTAGACTACAACAC-3'

ClinVar aggregate classification (germline): Pathogenic. Review status: criteria provided, multiple submitters, no conflicts (2 of 4 stars). 4 submissions from 4 submitters: Pathogenic (3). 1 of the submissions does not count toward it. Last evaluated 2026-01-24.

Conditions:
ERCC6L2-related disorder. Also called: ERCC6L2-related condition.
Pancytopenia-developmental delay syndrome. Also called: Bone marrow failure syndrome 2. Identifiers: Orphanet 401764, MedGen C3810350, MONDO:0014317, OMIM 615715.
Premature menopause. Identifiers: MedGen C0025322, MONDO:0001119.

Submissions (4):

Labcorp Genetics (formerly Invitae), Labcorp
Classification: Pathogenic. Last evaluated: 2026-01-24. Review status: criteria provided, single submitter. Criteria: Invitae Variant Classification Sherloc (09022015). Collection method: clinical testing. Allele origin: germline.
Comment: This sequence change creates a premature translational stop signal (p.Gly730Aspfs*50) in the ERCC6L2 gene. It is expected to result in an absent or disrupted protein product. Loss-of-function variants in ERCC6L2 are known to be pathogenic (PMID: 24507776, 27185855, 29146883, 29987015). This variant is present in population databases (no rsID available, gnomAD 0.007%). This premature translational stop signal has been observed in individual(s) with bone marrow failure (PMID: 29987015). ClinVar contains an entry for this variant (Variation ID: 619039). For these reasons, this variant has been classified as Pathogenic.

PreventionGenetics, part of Exact Sciences
Classification: Pathogenic for ERCC6L2-related condition. Last evaluated: 2025-09-17. Review status: criteria provided, single submitter. Criteria: ACMG Guidelines, 2015. Collection method: clinical testing. Allele origin: germline.
Comment: The ERCC6L2 c.2189delG variant is predicted to result in a frameshift and premature protein termination (p.Gly730Aspfs*50). This variant is also referred to as c.2156del (p.Gly719Aspfs*50) in transcript NM_020207.7. This variant has been reported in the compound heterozygous state in two individuals with bone marrow failure (Table S2, Tummala et al. 2018. PubMed ID: 29987015; described as c.2187delG, p.E729fs in Table 8, Bluteau et al. 2017. PubMed ID: 29146883). This variant is reported in 0.0071% of alleles in individuals of European (Non-Finnish) descent in gnomAD. Frameshift variants in ERCC6L2 are expected to be pathogenic. This variant is interpreted as pathogenic.

First Genomix Gene Laboratory, Genetic Diagnostics Department
Classification: Pathogenic for Pancytopenia-developmental delay syndrome. Last evaluated: 2025-06-19. Review status: criteria provided, single submitter. Criteria: ACMG Guidelines, 2015. Collection method: clinical testing. Allele origin: germline. Inheritance: Autosomal recessive inheritance. Affected: no. Observed: 1 variant allele.

Reproductive Development, Murdoch Childrens Research Institute
Classification: Uncertain significance for Premature ovarian insufficiency. Last evaluated: 2018-01-10. Review status: no assertion criteria provided. Criteria: ACMG Guidelines, 2015. Collection method: research. Allele origin: maternal. Affected: yes. Not counted in ClinVar's aggregate classification.

Literature cited by the submitters: PubMed 24507776 (cited by Labcorp Genetics (formerly Invitae), Labcorp); PubMed 27185855 (cited by Labcorp Genetics (formerly Invitae), Labcorp); PubMed 29146883 (cited by Labcorp Genetics (formerly Invitae), Labcorp); PubMed 29987015 (cited by Labcorp Genetics (formerly Invitae), Labcorp).